The following is an entry in ClinVar:

ClinVar aggregate classification (germline): Likely benign (0 of 4 stars; one submission).

Conditions:
HSD17B4-related disorder. Also called: HSD17B4-related disorders; HSD17B4-related condition.

Allele frequency attached by ClinVar (database versions not stated): gnomAD exomes 0.00001; ExAC 0.00002; gnomAD 0.00005; TOPMed 0.00008.
gnomAD v4.1: 18 of 1,613,816 alleles (0.0011%); highest among the groups gnomAD compares: Admixed American, 0.013%; no homozygotes.

Submission:

PreventionGenetics, part of Exact Sciences
Classification: Likely benign for HSD17B4-related condition. Last evaluated: 2023-03-17. Review status: no assertion criteria provided. Collection method: clinical testing. Allele origin: germline.
Comment: This variant is classified as likely benign based on ACMG/AMP sequence variant interpretation guidelines (Richards et al. 2015 PMID: 25741868, with internal and published modifications).

NM_000414.4(HSD17B4):c.-20T>C

Gene: HSD17B4 (hydroxysteroid 17-beta dehydrogenase 4; plus strand). Cytogenetic location: 5q23.1.
Variant type: single nucleotide variant.
Coding change: c.-20T>C on transcript NM_000414.4 (MANE Select); 20 bases upstream of the start codon, T replaced by C.
Molecular consequence: 5 prime UTR variant. On other transcripts: non-coding transcript variant (2).
Genome position (GRCh38, 1-based): chr5:119,452,556, T>C. VCF-style: chr5-119452556-T-C. GRCh37 (hg19) VCF-style: chr5-118788251-T-C.
Other names: c.-198T>C (NM_001199291.3); c.-20T>C (NM_001199292.2, NM_001374497.1, NM_001374498.1); c.-157T>C (NM_001292027.2); c.-619T>C (NM_001292028.2, NM_001374501.1); c.-553T>C (NM_001374499.1); c.-746T>C (NM_001374500.1); c.-624T>C (NM_001374502.1); c.-689T>C (NM_001374503.1).
Identifiers: ClinVar variation 3058151 (VCV003058151.2), dbSNP rs781758406, ClinGen allele CA3381574.